The following is an entry in ClinVar:

ClinVar aggregate classification (germline): Uncertain significance. Review status: criteria provided, multiple submitters, no conflicts (2 of 4 stars). 3 submissions from 3 submitters: Uncertain significance (3). Last evaluated 2025-09-01.

Allele frequency attached by ClinVar (database versions not stated): gnomAD exomes 0.00001; ExAC 0.00003; 1000 Genomes Project 30x 0.00016; 1000 Genomes Project 0.00020.
gnomAD v4.1: 19 of 1,612,244 alleles (0.0012%); highest among the groups gnomAD compares: African/African-American, 0.019%; no homozygotes.

Submissions (3):

Ambry Genetics
Classification: Uncertain significance. Last evaluated: 2025-09-01. Review status: criteria provided, single submitter. Criteria: Ambry Variant Classification Scheme 2023. Collection method: clinical testing. Allele origin: germline.

Blueprint Genetics
Classification: Uncertain significance. Last evaluated: 2022-06-29. Review status: criteria provided, single submitter. Criteria: ACMG Guidelines, 2015. Collection method: clinical testing. Allele origin: germline.

Labcorp Genetics (formerly Invitae), Labcorp
Classification: Uncertain significance. Last evaluated: 2022-02-05. Review status: criteria provided, single submitter. Criteria: Invitae Variant Classification Sherloc (09022015). Collection method: clinical testing. Allele origin: germline.
Comment: In summary, the available evidence is currently insufficient to determine the role of this variant in disease. Therefore, it has been classified as a Variant of Uncertain Significance. Algorithms developed to predict the effect of missense changes on protein structure and function output the following: SIFT: "Tolerated"; PolyPhen-2: "Benign"; Align-GVGD: "Class C0". The histidine amino acid residue is found in multiple mammalian species, which suggests that this missense change does not adversely affect protein function. This variant has not been reported in the literature in individuals affected with KARS-related conditions. This variant is present in population databases (rs578202049, gnomAD 0.008%). This sequence change replaces arginine, which is basic and polar, with histidine, which is basic and polar, at codon 15 of the KARS protein (p.Arg15His).

NM_005548.3(KARS1):c.63-2662G>A

Gene: KARS1 (lysyl-tRNA synthetase 1; minus strand). Cytogenetic location: 16q23.1.
Variant type: single nucleotide variant.
Coding change: c.63-2662G>A on transcript NM_005548.3 (MANE Select); 2662 bases into the intron before coding-DNA position 63, G replaced by A.
Molecular consequence: intron variant. On other transcripts: missense variant (1).
Genome position (GRCh38, 1-based): chr16:75,644,385, C>T on the plus strand (G>A on the coding strand, the complement: KARS1 is on the minus strand). VCF-style: chr16-75644385-C-T. GRCh37 (hg19) VCF-style: chr16-75678283-C-T.
Other names: c.44G>A (NM_001130089.1); c.44G>A, p.Arg15His (NM_001130089.2); c.-406-2662G>A (NM_001378148.1); short protein forms R15H.
Identifiers: ClinVar variation 1682464 (VCV001682464.10), dbSNP rs578202049, ClinGen allele CA8177810.
Genomic context (GRCh38, chr16:75,644,385, plus strand): 5'-AAAGGAGCAAGTTGACCCAGTCGCAGTTCCCTGTGACCCCACTCTGCCCAGGAGGTTTTG[C>T]GCAGGGACCCCCTAACAAGCCTTACAGCAGCTTGCGTCAACATGGCAGAGCACCCTGGAA-3'